The following is an entry in ClinVar:

NM_000552.5(VWF):c.7636A>T (p.Asn2546Tyr)

Gene: VWF (von Willebrand factor; minus strand). Cytogenetic location: 12p13.31.
Variant type: single nucleotide variant.
Coding change: c.7636A>T on transcript NM_000552.5 (MANE Select); coding-DNA position 7636, A replaced by T.
Protein change: p.Asn2546Tyr; replaces asparagine 2546 with tyrosine.
Molecular consequence: missense variant.
Genome position (GRCh38, 1-based): chr12:5,969,304, T>A on the plus strand (A>T on the coding strand, the complement: VWF is on the minus strand). VCF-style: chr12-5969304-T-A. GRCh37 (hg19) VCF-style: chr12-6078470-T-A.
Other names: p.N2546Y; short protein forms N2546Y.
Identifiers: ClinVar variation 100480 (VCV000100480.6), dbSNP rs61751298, ClinGen allele CA228810.

ClinVar aggregate classification (germline): Conflicting classifications of pathogenicity. Review status: criteria provided, conflicting classifications (1 of 4 stars). 6 submissions from 4 submitters: Pathogenic (2); Uncertain significance (2). 2 of the submissions do not count toward it. Last evaluated 2021-07-01.

Conditions:
von Willebrand disease type 3 (VWD3). Also called: Type 3 Von Willebrand's disease; Type 3 VWD; Von Willebrand disease, severe form; V WD3; VON WILLEBRAND DISEASE, TYPE III. Identifiers: Orphanet 166096, MedGen C1264041, MONDO:0010191, OMIM 277480.
von Willebrand disease type 1 (VWD1). Also called: VWD, TYPE 1; VON WILLEBRAND DISEASE, TYPE I. Identifiers: Orphanet 166078, Orphanet 903, MedGen C1264039, MONDO:0008668, OMIM 193400. Inheritance: autosomal recessive or autosomal dominant.

Allele frequency attached by ClinVar (database versions not stated): gnomAD exomes below 0.00001 and 0.00001; gnomAD 0.00001.
gnomAD v4.1: 6 of 1,614,024 alleles (0.00037%); highest among the groups gnomAD compares: Non-Finnish European, 0.00051%; no homozygotes.

Submissions (6):

Laboratory of Hematology, Radboud University Medical Center
Classification: Pathogenic for von Willebrand disease type 1. Last evaluated: 2021-07-01. Review status: criteria provided, single submitter. Criteria: ACMG Guidelines, 2015. Collection method: research. Allele origin: germline. Affected: yes. Observed: 4 variant alleles. Study: WIN study.

Laboratory of Hematology, Radboud University Medical Center
Classification: Pathogenic for von Willebrand disease type 3. Last evaluated: 2021-07-01. Review status: criteria provided, single submitter. Criteria: ACMG Guidelines, 2015. Collection method: research. Allele origin: germline. Affected: yes. Observed: 3 variant alleles. Study: WIN study.

ISTH-SSC Genomics in Thrombosis and Hemostasis, KU Leuven, Center for Molecular and Vascular Biology
Classification: Uncertain significance for von Willebrand disease type 1. Review status: criteria provided, single submitter. Criteria: ACMG Guidelines, 2015. Collection method: research. Allele origin: unknown. Affected: yes. Observed: 1 heterozygote.
Comment: Goldvariant submitter:Karyn Mégy, NIHR Bioresource - Cambridge University, UK

ISTH-SSC Genomics in Thrombosis and Hemostasis, KU Leuven, Center for Molecular and Vascular Biology
Classification: Uncertain significance for von Willebrand disease type 3. Review status: criteria provided, single submitter. Criteria: ACMG Guidelines, 2015. Collection method: clinical testing. Allele origin: unknown. Affected: yes. Observed: 1 compound heterozygote.
Comment: Goldvariant submitter:Kathleen Freson, Center for Molecular and Vascular Biology, Leuven, Belgium

Angelo Bianchi Bonomi Hemophilia and Thrombosis Center, Fondazione IRCCS Ca Granda Ospedale Maggiore Policlinico
Classification: Uncertain significance for von Willebrand disease type 3. Last evaluated: 2020-11-01. Review status: no assertion criteria provided. Collection method: clinical testing. Allele origin: germline. Affected: yes. Study: Type 3 Von Willebrand International Registries Inhibitor Prospective Study (3WINTERS-IPS). Not counted in ClinVar's aggregate classification.
Comment: ClinGen Pathogenicity Calculator

Academic Unit of Haematology, University of Sheffield
No classification provided. Review status: no classification provided. Collection method: not provided. Allele origin: not provided. Not counted in ClinVar's aggregate classification.

Literature cited by the submitters: PubMed 34355501 (cited by ISTH-SSC Genomics in Thrombosis and Hemostasis, KU Leuven, Center for Molecular and Vascular Biology).